The following is an entry in ClinVar:

ClinVar aggregate classification (germline): Uncertain significance (1 of 4 stars; one submission).

Allele frequency attached by ClinVar (database versions not stated): ExAC 0.00008; gnomAD exomes 0.00010; gnomAD 0.00015 and 0.00018; TOPMed 0.00015; ESP Exome Variant Server 0.00031.
gnomAD v4.1: 435 of 1,612,614 alleles (0.027%); highest among the groups gnomAD compares: Non-Finnish European, 0.035%; no homozygotes.

Submission:

Labcorp Genetics (formerly Invitae), Labcorp
Classification: Uncertain significance. Last evaluated: 2023-10-05. Review status: criteria provided, single submitter. Criteria: Invitae Variant Classification Sherloc (09022015). Collection method: clinical testing. Allele origin: germline.
Comment: This sequence change replaces valine, which is neutral and non-polar, with isoleucine, which is neutral and non-polar, at codon 213 of the SLC9A3 protein (p.Val213Ile). This variant is present in population databases (rs143027124, gnomAD 0.02%). This variant has not been reported in the literature in individuals affected with SLC9A3-related conditions. ClinVar contains an entry for this variant (Variation ID: 1446605). Advanced modeling of protein sequence and biophysical properties (such as structural, functional, and spatial information, amino acid conservation, physicochemical variation, residue mobility, and thermodynamic stability) has been performed at Invitae for this missense variant, however the output from this modeling did not meet the statistical confidence thresholds required to predict the impact of this variant on SLC9A3 protein function. In summary, the available evidence is currently insufficient to determine the role of this variant in disease. Therefore, it has been classified as a Variant of Uncertain Significance.

NM_004174.4(SLC9A3):c.637G>A (p.Val213Ile)

Gene: SLC9A3 (solute carrier family 9 member A3). Cytogenetic location: 5p15.33.
Variant type: single nucleotide variant.
Coding change: c.637G>A on transcript NM_004174.4 (MANE Select); coding-DNA position 637, G replaced by A.
Protein change: p.Val213Ile; replaces valine 213 with isoleucine.
Molecular consequence: missense variant.
Genome position (GRCh38, 1-based): chr5:488,354, C>T on the plus strand (G>A on the coding strand, the complement: SLC9A3 is on the minus strand). VCF-style: chr5-488354-C-T. GRCh37 (hg19) VCF-style: chr5-488469-C-T.
Other names: c.637G>A, p.Val213Ile (NM_001284351.3); short protein forms V213I.
Identifiers: ClinVar variation 1446605 (VCV001446605.4), dbSNP rs143027124, ClinGen allele CA3176275.